The following is an entry in ClinVar:

NM_022829.6(SLC13A3):c.1360G>A (p.Gly454Arg)

Gene: SLC13A3 (solute carrier family 13 member 3; minus strand). Cytogenetic location: 20q13.12.
Variant type: single nucleotide variant.
Coding change: c.1360G>A on transcript NM_022829.6 (MANE Select); coding-DNA position 1360, G replaced by A.
Protein change: p.Gly454Arg; replaces glycine 454 with arginine.
Molecular consequence: missense variant.
Genome position (GRCh38, 1-based): chr20:46,566,363, C>T on the plus strand (G>A on the coding strand, the complement: SLC13A3 is on the minus strand). VCF-style: chr20-46566363-C-T. GRCh37 (hg19) VCF-style: chr20-45195002-C-T.
Other names: c.1219G>A, p.Gly407Arg (NM_001011554.3); c.1210G>A, p.Gly404Arg (NM_001193339.2); c.1114G>A, p.Gly372Arg (NM_001193340.2); c.1066G>A, p.Gly356Arg (NM_001193342.2); c.1360G>A (NM_022829.5); short protein forms G356R, G404R, G454R, G372R, G407R.
Identifiers: ClinVar variation 1377585 (VCV001377585.8), dbSNP rs745537970, ClinGen allele CA9891289.

ClinVar aggregate classification (germline): Uncertain significance. Review status: criteria provided, multiple submitters, no conflicts (2 of 4 stars). 2 submissions from 2 submitters: Uncertain significance (2). Last evaluated 2024-03-12.

Allele frequency attached by ClinVar (database versions not stated): gnomAD 0.00003 and 0.00004; gnomAD exomes 0.00005 and 0.00013; ExAC 0.00008; TOPMed 0.00009.
gnomAD v4.1: 38 of 1,612,900 alleles (0.0024%); highest among the groups gnomAD compares: Admixed American, 0.062%; no homozygotes.

Submissions (2):

Ambry Genetics
Classification: Uncertain significance. Last evaluated: 2024-03-12. Review status: criteria provided, single submitter. Criteria: Ambry Variant Classification Scheme 2023. Collection method: clinical testing. Allele origin: germline.

Labcorp Genetics (formerly Invitae), Labcorp
Classification: Uncertain significance. Last evaluated: 2022-10-13. Review status: criteria provided, single submitter. Criteria: Invitae Variant Classification Sherloc (09022015). Collection method: clinical testing. Allele origin: germline.
Comment: In summary, the available evidence is currently insufficient to determine the role of this variant in disease. Therefore, it has been classified as a Variant of Uncertain Significance. This sequence change replaces glycine, which is neutral and non-polar, with arginine, which is basic and polar, at codon 454 of the SLC13A3 protein (p.Gly454Arg). This variant is present in population databases (rs745537970, gnomAD 0.09%), and has an allele count higher than expected for a pathogenic variant. This variant has not been reported in the literature in individuals affected with SLC13A3-related conditions. ClinVar contains an entry for this variant (Variation ID: 1377585). Advanced modeling of protein sequence and biophysical properties (such as structural, functional, and spatial information, amino acid conservation, physicochemical variation, residue mobility, and thermodynamic stability) performed at Invitae indicates that this missense variant is not expected to disrupt SLC13A3 protein function.